The following is an entry in ClinVar:

NM_001267550.2(TTN):c.11557T>C (p.Trp3853Arg)

Gene: TTN (titin; minus strand). Cytogenetic location: 2q31.2.
Variant type: single nucleotide variant.
Coding change: c.11557T>C on transcript NM_001267550.2 (MANE Select); coding-DNA position 11557, T replaced by C.
Protein change: p.Trp3853Arg; replaces tryptophan 3853 with arginine.
Molecular consequence: missense variant. On other transcripts: intron variant (1).
Genome position (GRCh38, 1-based): chr2:178,741,676, A>G on the plus strand (T>C on the coding strand, the complement: TTN is on the minus strand). VCF-style: chr2-178741676-A-G. GRCh37 (hg19) VCF-style: chr2-179606403-A-G.
Other names: c.10606T>C, p.Trp3536Arg (NM_001256850.1); c.10468T>C, p.Trp3490Arg (NM_003319.4); c.10843T>C, p.Trp3615Arg (NM_133432.3); c.11044T>C, p.Trp3682Arg (NM_133437.4); c.10361-3316T>C (NM_133378.4); short protein forms W3490R, W3853R, W3682R, W3536R, W3615R.
Identifiers: ClinVar variation 518911 (VCV000518911.4), dbSNP rs1553942094, ClinGen allele CA349621140.

ClinVar aggregate classification (germline): Uncertain significance (1 of 4 stars; one submission).

Conditions:
Cardiovascular phenotype. Identifiers: MedGen CN230736.

Submission:

Ambry Genetics
Classification: Uncertain significance for Cardiovascular phenotype. Last evaluated: 2016-05-05. Review status: criteria provided, single submitter. Criteria: Ambry Variant Classification Scheme 2023. Collection method: clinical testing. Allele origin: germline.
Comment: The p.W3490R variant (also known as c.10468T>C), located in coding exon 44 of the TTN gene, results from a T to C substitution at nucleotide position 10468. The tryptophan at codon 3490 is replaced by arginine, an amino acid with dissimilar properties, and is located in the I-band region of the titin protein. This variant was not reported in population based cohorts in the following databases: Database of Single Nucleotide Polymorphisms (dbSNP), NHLBI Exome Sequencing Project (ESP), and 1000 Genomes Project. In the ESP, this variant was not observed in 6031 samples (12062 alleles) with coverage at this position. This amino acid position is highly conserved in available vertebrate species. In addition, this alteration is predicted to be probably damaging and deleterious by PolyPhen and SIFT in silico analyses, respectively. Since supporting evidence is limited at this time, the clinical significance of this variant remains unclear.